The following is an entry in ClinVar:

NM_020937.4(FANCM):c.4654C>A (p.Leu1552Ile)

Gene: FANCM (FA complementation group M; plus strand). Cytogenetic location: 14q21.2.
Variant type: single nucleotide variant.
Coding change: c.4654C>A on transcript NM_020937.4 (MANE Select); coding-DNA position 4654, C replaced by A.
Protein change: p.Leu1552Ile; replaces leucine 1552 with isoleucine.
Molecular consequence: missense variant.
Genome position (GRCh38, 1-based): chr14:45,185,355, C>A. VCF-style: chr14-45185355-C-A. GRCh37 (hg19) VCF-style: chr14-45654558-C-A.
Other names: c.4576C>A, p.Leu1526Ile (NM_001308133.2); short protein forms L1526I, L1552I.
Identifiers: ClinVar variation 2172417 (VCV002172417.5), dbSNP rs753185849, ClinGen allele CA7169813.

ClinVar aggregate classification (germline): Uncertain significance. Review status: criteria provided, multiple submitters, no conflicts (2 of 4 stars). 2 submissions from 2 submitters: Uncertain significance (2). Last evaluated 2025-03-10.

Conditions:
Inborn genetic diseases. Identifiers: MedGen C0950123, MeSH D030342.
Fanconi anemia (FA). Also called: Fanconi's anemia. Identifiers: Orphanet 84, MedGen C0015625, MeSH D005199, MONDO:0019391.

Allele frequency attached by ClinVar (database versions not stated): gnomAD exomes below 0.00001; ExAC 0.00001.
gnomAD v4.1: 4 of 1,587,114 alleles (0.00025%); highest among the groups gnomAD compares: Non-Finnish European, 0.000086%; no homozygotes.

Submissions (2):

Ambry Genetics
Classification: Uncertain significance for Inborn genetic diseases. Last evaluated: 2025-03-10. Review status: criteria provided, single submitter. Criteria: Ambry Variant Classification Scheme 2023. Collection method: clinical testing. Allele origin: germline.
Comment: The p.L1552I variant (also known as c.4654C>A), located in coding exon 18 of the FANCM gene, results from a C to A substitution at nucleotide position 4654. The leucine at codon 1552 is replaced by isoleucine, an amino acid with highly similar properties. This amino acid position is conserved. In addition, this alteration is predicted to be tolerated by in silico analysis. Based on the available evidence, the clinical significance of this variant remains unclear.

Labcorp Genetics (formerly Invitae), Labcorp
Classification: Uncertain significance for Fanconi anemia. Last evaluated: 2022-09-02. Review status: criteria provided, single submitter. Criteria: Invitae Variant Classification Sherloc (09022015). Collection method: clinical testing. Allele origin: germline.
Comment: Algorithms developed to predict the effect of missense changes on protein structure and function are either unavailable or do not agree on the potential impact of this missense change (SIFT: "Tolerated"; PolyPhen-2: "Possibly Damaging"; Align-GVGD: "Class C0"). This sequence change replaces leucine, which is neutral and non-polar, with isoleucine, which is neutral and non-polar, at codon 1552 of the FANCM protein (p.Leu1552Ile). This variant is present in population databases (rs753185849, gnomAD 0.02%). This variant has not been reported in the literature in individuals affected with FANCM-related conditions. In summary, the available evidence is currently insufficient to determine the role of this variant in disease. Therefore, it has been classified as a Variant of Uncertain Significance.